The following is an entry in ClinVar:

NM_001283009.2(RTEL1):c.1576A>G (p.Ser526Gly)

Genes: RTEL1 (regulator of telomere elongation helicase 1; plus strand), RTEL1-TNFRSF6B (RTEL1-TNFRSF6B readthrough (NMD candidate); plus strand). Cytogenetic location: 20q13.33.
Variant type: single nucleotide variant.
Coding change: c.1576A>G on transcript NM_001283009.2 (MANE Select); coding-DNA position 1576, A replaced by G.
Protein change: p.Ser526Gly; replaces serine 526 with glycine.
Molecular consequence: missense variant. On other transcripts: non-coding transcript variant (1).
Genome position (GRCh38, 1-based): chr20:63,688,031, A>G. VCF-style: chr20-63688031-A-G. GRCh37 (hg19) VCF-style: chr20-62319384-A-G.
Other names: c.907A>G, p.Ser303Gly (NM_001283010.1); c.1576A>G, p.Ser526Gly (NM_016434.4); c.1648A>G, p.Ser550Gly (NM_032957.5); short protein forms S526G, S550G, S303G.
Identifiers: ClinVar variation 2175045 (VCV002175045.5), dbSNP rs2517116440, ClinGen allele CA409676839.

ClinVar aggregate classification (germline): Uncertain significance. Review status: criteria provided, multiple submitters, no conflicts (2 of 4 stars). 2 submissions from 2 submitters: Uncertain significance (2). Last evaluated 2025-01-08.

Conditions:
Pulmonary fibrosis and/or bone marrow failure, Telomere-related, 3. Also called: PULMONARY FIBROSIS AND/OR BONE MARROW FAILURE SYNDROME, TELOMERE-RELATED, 3. Identifiers: Orphanet 2032, MedGen C4225346, MONDO:0014613, OMIM 616373.
Dyskeratosis congenita, autosomal recessive 5 (DKCB5). Identifiers: MedGen C3554656, MONDO:0014076, OMIM 615190.
Inborn genetic diseases. Identifiers: MedGen C0950123, MeSH D030342.

Allele frequency attached by ClinVar (database versions not stated): gnomAD exomes below 0.00001.
gnomAD v4.1: 2 of 1,612,532 alleles (0.00012%); highest among the groups gnomAD compares: Non-Finnish European, 0.00017%; no homozygotes.

Submissions (2):

Ambry Genetics
Classification: Uncertain significance for Inborn genetic diseases. Last evaluated: 2025-01-08. Review status: criteria provided, single submitter. Criteria: Ambry Variant Classification Scheme 2023. Collection method: clinical testing. Allele origin: germline.
Comment: The p.S526G variant (also known as c.1576A>G), located in coding exon 17 of the RTEL1 gene, results from an A to G substitution at nucleotide position 1576. The serine at codon 526 is replaced by glycine, an amino acid with similar properties. This amino acid position is conserved. In addition, the in silico prediction for this alteration is inconclusive. Based on the available evidence, the clinical significance of this variant remains unclear.

Labcorp Genetics (formerly Invitae), Labcorp
Classification: Uncertain significance for Dyskeratosis congenita, autosomal recessive 5; Pulmonary fibrosis and/or bone marrow failure, Telomere-related, 3. Last evaluated: 2023-08-10. Review status: criteria provided, single submitter. Criteria: Invitae Variant Classification Sherloc (09022015). Collection method: clinical testing. Allele origin: germline.
Comment: In summary, the available evidence is currently insufficient to determine the role of this variant in disease. Therefore, it has been classified as a Variant of Uncertain Significance. An algorithm developed to predict the effect of missense changes on protein structure and function (PolyPhen-2) suggests that this variant is likely to be disruptive. ClinVar contains an entry for this variant (Variation ID: 2175045). This variant has not been reported in the literature in individuals affected with RTEL1-related conditions. This variant is not present in population databases (gnomAD no frequency). This sequence change replaces serine, which is neutral and polar, with glycine, which is neutral and non-polar, at codon 526 of the RTEL1 protein (p.Ser526Gly).